The following is an entry in ClinVar:

NM_001166108.2(PALLD):c.1965-12984G>A

Gene: PALLD (palladin, cytoskeletal associated protein; plus strand). Cytogenetic location: 4q32.3.
Variant type: single nucleotide variant.
Coding change: c.1965-12984G>A on transcript NM_001166108.2 (MANE Select); 12984 bases into the intron before coding-DNA position 1965, G replaced by A.
Molecular consequence: intron variant. On other transcripts: missense variant (1).
Genome position (GRCh38, 1-based): chr4:168,877,938, G>A. VCF-style: chr4-168877938-G-A. GRCh37 (hg19) VCF-style: chr4-169799089-G-A.
Other names: c.47G>A, p.Gly16Asp (NM_001166110.2); c.1965-12984G>A (NM_016081.4); c.819-12984G>A (NM_001166109.2); c.-157-12984G>A (NM_001367570.1, NM_001367568.1, NM_001367567.1 and 1 more transcripts); short protein forms G16D.
Identifiers: ClinVar variation 3885334 (VCV003885334.1).

ClinVar aggregate classification (germline): Uncertain significance (1 of 4 stars; one submission).

Submission:

Ambry Genetics
Classification: Uncertain significance. Last evaluated: 2025-02-09. Review status: criteria provided, single submitter. Criteria: Ambry Variant Classification Scheme 2023. Collection method: clinical testing. Allele origin: germline.
Comment: The p.G16D variant (also known as c.47G>A), located in coding exon 1 of the PALLD gene, results from a G to A substitution at nucleotide position 47. The glycine at codon 16 is replaced by aspartic acid, an amino acid with similar properties. This amino acid position is conserved. In addition, this alteration is predicted to be tolerated by in silico analysis. Based on the available evidence, the clinical significance of this variant remains unclear.